The following is an entry in ClinVar:

NM_005633.4(SOS1):c.548_552delinsATATATTA (p.Ile183_Asn184delinsAsnIleLeu)

Gene: SOS1 (SOS Ras/Rac guanine nucleotide exchange factor 1; minus strand). Cytogenetic location: 2p22.1.
Variant type: Indel.
Coding change: c.548_552delinsATATATTA on transcript NM_005633.4 (MANE Select); coding-DNA positions 548 to 552, TTAAT replaced by ATATATTA.
Protein change: p.Ile183_Asn184delinsAsnIleLeu.
Molecular consequence: inframe indel.
Genome position (GRCh38, 1-based): chr2:39,054,782-39,054,786, ATTAA replaced by TAATATAT on the plus strand (TTAAT replaced by ATATATTA on the coding strand, the reverse complement: SOS1 is on the minus strand). VCF-style: chr2-39054782-ATTAA-TAATATAT. GRCh37 (hg19) VCF-style: chr2-39281923-ATTAA-TAATATAT.
Other names: c.527_531delinsATATATTA, p.Ile176_Asn177delinsAsnIleLeu (NM_001382394.1); c.548_552delinsATATATTA, p.Ile183_Asn184delinsAsnIleLeu (NM_001382395.1).
Identifiers: ClinVar variation 2042802 (VCV002042802.4), dbSNP rs2465347418, ClinGen allele CA2580066442.
Genomic context (GRCh38, chr2:39,054,782, plus strand): 5'-CAAATCATAGTAAGTTTGTTCTCCTGAGGTGGAAGGCTCTTCGTCAGTTAAAGATAATAT[ATTAA>TAATATAT]TATCTTCTACATCTTGATGAAACATATCCATCAATACCTATACAGTCAGAGATATAAAAA-3'

ClinVar aggregate classification (germline): Uncertain significance (1 of 4 stars; one submission).

Conditions:
RASopathy. Also called: rasopathies; Noonan spectrum disorder. Identifiers: Orphanet 536391, MedGen C5555857, MONDO:0021060.

Submission:

Labcorp Genetics (formerly Invitae), Labcorp
Classification: Uncertain significance for RASopathy. Last evaluated: 2021-12-14. Review status: criteria provided, single submitter. Criteria: Invitae Variant Classification Sherloc (09022015). Collection method: clinical testing. Allele origin: germline.
Comment: In summary, the available evidence is currently insufficient to determine the role of this variant in disease. Therefore, it has been classified as a Variant of Uncertain Significance. Experimental studies and prediction algorithms are not available or were not evaluated, and the functional significance of this variant is currently unknown. This variant has not been reported in the literature in individuals affected with SOS1-related conditions. This variant is not present in population databases (gnomAD no frequency). This variant, c.548_552delinsATATATTA, is a complex sequence change that results in the deletion of 2 and insertion of 3 amino acid(s) in the SOS1 protein (p.Ile183_Asn184delinsAsnIleLeu).